The following is an entry in ClinVar:

NM_007294.4(BRCA1):c.1949_1952del (p.Ile650fs)

Gene: BRCA1 (BRCA1 DNA repair associated; minus strand). Cytogenetic location: 17q21.31.
Variant type: Deletion.
Coding change: c.1949_1952del on transcript NM_007294.4 (MANE Select); coding-DNA positions 1949 to 1952, 4 bases deleted (TAAA; older notation c.1949_1952delTAAA).
Protein change: p.Ile650fs; shifts the reading frame from isoleucine 650.
Molecular consequence: frameshift variant. On other transcripts: intron variant (137).
Genome position (GRCh38, 1-based): chr17:43,093,579-43,093,582, TTTA deleted on the plus strand (TAAA on the coding strand, the reverse complement: BRCA1 is on the minus strand); deleting any 4 consecutive bases within chr17:43,093,579-43,093,583 gives the same sequence; the c. name uses the placement nearest the transcript's 3' end. VCF-style (leftmost placement, unchanged base first): chr17-43093578-CTTTA-C. GRCh37 (hg19) VCF-style: chr17-41245595-CTTTA-C.
Other names: 2068del4-ter698; c.1946_1949del, p.Ile649fs (NM_001407613.1, NM_001407614.1, NM_001407615.1 and 22 more transcripts); c.1949_1952del, p.Ile650fs (NM_001407616.1, NM_001407617.1, NM_001407618.1 and 30 more transcripts); c.1940_1943del, p.Ile647fs (NM_001407646.1, NM_001407647.1); c.1826_1829del, p.Ile609fs (NM_001407648.1, NM_001407664.1, NM_001407665.1 and 19 more transcripts); c.1823_1826del, p.Ile608fs (NM_001407649.1, NM_001407670.1, NM_001407671.1 and 11 more transcripts); c.1871_1874del, p.Ile624fs (NM_001407653.1, NM_001407654.1, NM_001407655.1 and 4 more transcripts); c.1868_1871del, p.Ile623fs (NM_001407659.1, NM_001407660.1, NM_001407661.1 and 1 more transcripts); and 42 more; short protein forms I650fs, I603fs, I354fs, I482fs, I539fs, I561fs, I562fs, I538fs.
Identifiers: ClinVar variation 266205 (VCV000266205.6), dbSNP rs886039985, ClinGen allele CA10589905.

ClinVar aggregate classification (germline): Pathogenic. Review status: reviewed by expert panel (3 of 4 stars). 2 submissions from 2 submitters: Pathogenic (1). 1 of the submissions does not count toward it. Last evaluated 2016-10-18.

Conditions:
Breast-ovarian cancer, familial, susceptibility to, 1 (BROVCA1). Also called: BRCA1 Hereditary Breast and Ovarian Cancer; OVARIAN CANCER, SUSCEPTIBILITY TO. Identifiers: Orphanet 145, MedGen C2676676, MONDO:0011450, OMIM 604370. Disease mechanism: loss of function.

Submissions (2):

Evidence-based Network for the Interpretation of Germline Mutant Alleles (ENIGMA)
Classification: Pathogenic for Breast-ovarian cancer, familial, susceptibility to, 1. Last evaluated: 2016-10-18. Review status: reviewed by expert panel. Criteria: ENIGMA BRCA1/2 Classification Criteria (2015). Collection method: curation. Allele origin: germline.
Comment: Variant allele predicted to encode a truncated non-functional protein.

Consortium of Investigators of Modifiers of BRCA1/2 (CIMBA), c/o University of Cambridge
Classification: Pathogenic for Breast-ovarian cancer, familial, susceptibility to, 1. Last evaluated: 2015-10-02. Review status: criteria provided, single submitter. Criteria: CIMBA Mutation Classification guidelines May 2016. Collection method: clinical testing. Allele origin: germline. Not counted in ClinVar's aggregate classification.